The following is an entry in ClinVar:

ClinVar aggregate classification (germline): Uncertain significance (1 of 4 stars; one submission).

Conditions:
Werner syndrome (WRN). Identifiers: Orphanet 902, MedGen C0043119, MONDO:0010196, OMIM 277700.

Allele frequency attached by ClinVar (database versions not stated): gnomAD 0.00001; TOPMed 0.00001.
gnomAD v4.1: 3 of 1,597,834 alleles (0.00019%); highest among the groups gnomAD compares: Non-Finnish European, 0.00026%; no homozygotes.

Submission:

Labcorp Genetics (formerly Invitae), Labcorp
Classification: Uncertain significance for Werner syndrome. Last evaluated: 2023-05-02. Review status: criteria provided, single submitter. Criteria: Invitae Variant Classification Sherloc (09022015). Collection method: clinical testing. Allele origin: germline.
Comment: This sequence change affects codon 1103 of the WRN mRNA. It is a 'silent' change, meaning that it does not change the encoded amino acid sequence of the WRN protein. This variant also falls at the last nucleotide of exon 27, which is part of the consensus splice site for this exon. In summary, the available evidence is currently insufficient to determine the role of this variant in disease. Therefore, it has been classified as a Variant of Uncertain Significance. Variants that disrupt the consensus splice site are a relatively common cause of aberrant splicing (PMID: 17576681, 9536098). Algorithms developed to predict the effect of sequence changes on RNA splicing suggest that this variant may disrupt the consensus splice site. ClinVar contains an entry for this variant (Variation ID: 1064037). This variant has been observed in individual(s) with clinical features of Werner syndrome (Invitae). In at least one individual the data is consistent with being in trans (on the opposite chromosome) from a pathogenic variant. This variant is not present in population databases (gnomAD no frequency).

Literature cited by the submitters: PubMed 17576681; PubMed 9536098.

NM_000553.6(WRN):c.3309G>A (p.Lys1103=)

Gene: WRN (WRN RecQ like helicase; plus strand). Cytogenetic location: 8p12.
Variant type: single nucleotide variant.
Coding change: c.3309G>A on transcript NM_000553.6 (MANE Select); coding-DNA position 3309, G replaced by A.
Protein change: p.Lys1103=; no amino-acid change (lysine 1103 retained).
Molecular consequence: synonymous variant.
Genome position (GRCh38, 1-based): chr8:31,142,701, G>A. VCF-style: chr8-31142701-G-A. GRCh37 (hg19) VCF-style: chr8-31000217-G-A.
Identifiers: ClinVar variation 1064037 (VCV001064037.5), dbSNP rs770117143, ClinGen allele CA460222028.